The following is an entry in ClinVar:

NM_032043.3(BRIP1):c.-30-3T>C

Gene: BRIP1 (BRCA1 interacting DNA helicase 1; minus strand). Cytogenetic location: 17q23.2.
Variant type: single nucleotide variant.
Coding change: c.-30-3T>C on transcript NM_032043.3 (MANE Select); 3 bases into the intron before 30 bases upstream of the start codon, T replaced by C.
Molecular consequence: intron variant.
Genome position (GRCh38, 1-based): chr17:61,861,572, A>G on the plus strand (T>C on the coding strand, the complement: BRIP1 is on the minus strand). VCF-style: chr17-61861572-A-G. GRCh37 (hg19) VCF-style: chr17-59938933-A-G.
Identifiers: ClinVar variation 136581 (VCV000136581.20), dbSNP rs370728413, ClinGen allele CA289748.

ClinVar aggregate classification (germline): Conflicting classifications of pathogenicity. Review status: criteria provided, conflicting classifications (1 of 4 stars). 9 submissions from 9 submitters: Uncertain significance (1); Benign (1); Likely benign (4). 3 of the submissions do not count toward it. Last evaluated 2025-03-04.

Conditions:
Hereditary cancer-predisposing syndrome. Also called: Tumor predisposition; Hereditary neoplastic syndrome; Neoplastic Syndromes, Hereditary; Hereditary Cancer Syndrome. Identifiers: Orphanet 140162, MedGen C0027672, MeSH D009386, MONDO:0015356.
Familial cancer of breast. Also called: BREAST CANCER, FAMILIAL; Hereditary breast cancer; hereditary breast carcinoma. Identifiers: Orphanet 227535, MedGen C0346153, MONDO:0016419, OMIM 114480. Disease mechanism: loss of function.
Fanconi anemia complementation group J. Also called: BRIP1-Related Fanconi Anemia. Identifiers: Orphanet 84, MedGen C1836860, MONDO:0012187, OMIM 609054.

Allele frequency attached by ClinVar (database versions not stated): gnomAD 0.00012 and 0.00014; TOPMed 0.00014; ESP Exome Variant Server 0.00015; gnomAD exomes 0.00018 and 0.00024; ExAC 0.00019.
gnomAD v4.1: 335 of 1,486,844 alleles (0.023%); highest among the groups gnomAD compares: Non-Finnish European, 0.03%; no homozygotes.

Submissions (9):

Center for Genomic Medicine, Rigshospitalet, Copenhagen University Hospital
Classification: Likely benign. Last evaluated: 2025-03-04. Review status: criteria provided, single submitter. Criteria: ACMG Guidelines, 2015. Collection method: clinical testing. Allele origin: germline.

Sema4
Classification: Likely benign for Hereditary cancer-predisposing syndrome. Last evaluated: 2021-06-02. Review status: criteria provided, single submitter. Criteria: Sema4 Curation Guidelines. Collection method: curation. Allele origin: germline.

Mendelics
Classification: Likely benign for Familial cancer of breast. Last evaluated: 2019-05-28. Review status: criteria provided, single submitter. Criteria: Mendelics Assertion Criteria 2017. Collection method: clinical testing. Allele origin: unknown.

Illumina Laboratory Services, Illumina
Classification: Uncertain significance for Fanconi anemia complementation group J. Last evaluated: 2018-01-12. Review status: criteria provided, single submitter. Criteria: ICSL Variant Classification Criteria 13 December 2019. Collection method: clinical testing. Allele origin: germline.

Color Diagnostics, LLC DBA Color Health
Classification: Likely benign for Hereditary cancer-predisposing syndrome. Last evaluated: 2015-02-11. Review status: criteria provided, single submitter. Criteria: ACMG Guidelines, 2015. Collection method: clinical testing. Allele origin: germline.

GeneDx
Classification: Benign. Last evaluated: 2014-03-24. Review status: criteria provided, single submitter. Criteria: GeneDx Variant Classification (06012015). Collection method: clinical testing. Allele origin: germline. Affected: yes.
Comment: This variant is considered likely benign or benign based on one or more of the following criteria: it is a conservative change, it occurs at a poorly conserved position in the protein, it is predicted to be benign by multiple in silico algorithms, and/or has population frequency not consistent with disease.

Clinical Genetics DNA and cytogenetics Diagnostics Lab, Erasmus MC, Erasmus Medical Center
Classification: Likely benign. Review status: no assertion criteria provided. Collection method: clinical testing. Allele origin: germline. Affected: yes. Study: VKGL Data-share Consensus. Not counted in ClinVar's aggregate classification.

Clinical Genetics Laboratory, Department of Pathology, Netherlands Cancer Institute
Classification: Likely benign. Review status: no assertion criteria provided. Collection method: clinical testing. Allele origin: germline. Affected: yes. Study: VKGL Data-share Consensus. Not counted in ClinVar's aggregate classification.

Joint Genome Diagnostic Labs from Nijmegen and Maastricht, Radboudumc and MUMC+
Classification: Likely benign. Review status: no assertion criteria provided. Collection method: clinical testing. Allele origin: germline. Affected: yes. Study: VKGL Data-share Consensus. Not counted in ClinVar's aggregate classification.